The following is an entry in ClinVar:

ClinVar aggregate classification (germline): Uncertain significance (1 of 4 stars; one submission).

Submission:

Labcorp Genetics (formerly Invitae), Labcorp
Classification: Uncertain significance. Last evaluated: 2022-09-13. Review status: criteria provided, single submitter. Criteria: Invitae Variant Classification Sherloc (09022015). Collection method: clinical testing. Allele origin: germline.
Comment: This sequence change replaces methionine, which is neutral and non-polar, with isoleucine, which is neutral and non-polar, at codon 676 of the POLE protein (p.Met676Ile). This variant is not present in population databases (gnomAD no frequency). This variant has not been reported in the literature in individuals affected with POLE-related conditions. Algorithms developed to predict the effect of missense changes on protein structure and function (SIFT, PolyPhen-2, Align-GVGD) all suggest that this variant is likely to be tolerated. In summary, the available evidence is currently insufficient to determine the role of this variant in disease. Therefore, it has been classified as a Variant of Uncertain Significance.

NM_006231.4(POLE):c.2028G>A (p.Met676Ile)

Gene: POLE (DNA polymerase epsilon, catalytic subunit; minus strand). Cytogenetic location: 12q24.33.
Variant type: single nucleotide variant.
Coding change: c.2028G>A on transcript NM_006231.4 (MANE Select); coding-DNA position 2028, G replaced by A.
Protein change: p.Met676Ile; replaces methionine 676 with isoleucine.
Molecular consequence: missense variant.
Genome position (GRCh38, 1-based): chr12:132,668,501, C>T on the plus strand (G>A on the coding strand, the complement: POLE is on the minus strand). VCF-style: chr12-132668501-C-T. GRCh37 (hg19) VCF-style: chr12-133245087-C-T.
Other names: short protein forms M676I.
Identifiers: ClinVar variation 1991050 (VCV001991050.4), dbSNP rs372677838, ClinGen allele CA387354472.